The following is an entry in ClinVar:

ClinVar aggregate classification (germline): Uncertain significance. Review status: criteria provided, multiple submitters, no conflicts (2 of 4 stars). 2 submissions from 2 submitters: Uncertain significance (2). Last evaluated 2025-06-02.

Conditions:
Pyruvate dehydrogenase phosphatase deficiency (PDHPD). Also called: LACTIC ACIDEMIA WITH PYRUVATE DEHYDROGENASE PHOSPHATASE DEFICIENCY. Identifiers: Orphanet 79246, MedGen C1837429, MONDO:0012120, OMIM 608782.

Allele frequency attached by ClinVar (database versions not stated): gnomAD exomes 0.00001; TOPMed 0.00001.
gnomAD v4.1: 5 of 1,614,154 alleles (0.00031%); highest among the groups gnomAD compares: Non-Finnish European, 0.00042%; no homozygotes.

Submissions (2):

Labcorp Genetics (formerly Invitae), Labcorp
Classification: Uncertain significance. Last evaluated: 2025-06-02. Review status: criteria provided, single submitter. Criteria: Invitae Variant Classification Sherloc (09022015). Collection method: clinical testing. Allele origin: germline.
Comment: This sequence change replaces asparagine, which is neutral and polar, with serine, which is neutral and polar, at codon 379 of the PDP1 protein (p.Asn379Ser). This variant is not present in population databases (gnomAD no frequency). This variant has not been reported in the literature in individuals affected with PDP1-related conditions. ClinVar contains an entry for this variant (Variation ID: 1379291). An algorithm developed to predict the effect of missense changes on protein structure and function (PolyPhen-2) suggests that this variant is likely to be tolerated. In summary, the available evidence is currently insufficient to determine the role of this variant in disease. Therefore, it has been classified as a Variant of Uncertain Significance.

Department of Pathology and Laboratory Medicine, Sinai Health System
Classification: Uncertain significance for pyruvate dehydrogenase phosphatase deficiency. Last evaluated: 2021-07-30. Review status: criteria provided, single submitter. Criteria: ACMG Guidelines, 2015. Collection method: research. Allele origin: germline.

NM_018444.4(PDP1):c.1136A>G (p.Asn379Ser)

Gene: PDP1 (pyruvate dehydrogenase phosphatase catalytic subunit 1; plus strand). Cytogenetic location: 8q22.1.
Variant type: single nucleotide variant.
Coding change: c.1136A>G on transcript NM_018444.4 (MANE Select); coding-DNA position 1136, A replaced by G.
Protein change: p.Asn379Ser; replaces asparagine 379 with serine.
Molecular consequence: missense variant.
Genome position (GRCh38, 1-based): chr8:93,923,195, A>G. VCF-style: chr8-93923195-A-G. GRCh37 (hg19) VCF-style: chr8-94935423-A-G.
Other names: c.1211A>G, p.Asn404Ser (NM_001161779.2, NM_001161780.2); c.1136A>G, p.Asn379Ser (NM_001161781.2); short protein forms N379S, N404S.
Identifiers: ClinVar variation 1379291 (VCV001379291.9), dbSNP rs1810337427, ClinGen allele CA371695888.